The following is an entry in ClinVar:

NM_000181.4(GUSB):c.1798dup (p.Arg600fs)

Gene: GUSB (glucuronidase beta; minus strand). Cytogenetic location: 7q11.21.
Variant type: Duplication.
Coding change: c.1798dup on transcript NM_000181.4 (MANE Select); coding-DNA position 1798, one base duplicated (A; older notation c.1798dupA).
Protein change: p.Arg600fs; shifts the reading frame from arginine 600.
Molecular consequence: frameshift variant. On other transcripts: non-coding transcript variant (1).
Genome position (GRCh38, 1-based): chr7:65,961,055, T duplicated on the plus strand (A on the coding strand, the reverse complement: GUSB is on the minus strand). VCF-style (leftmost placement, unchanged base first): chr7-65961054-C-CT. GRCh37 (hg19) VCF-style: chr7-65426041-C-CT.
Other names: c.1360dup, p.Arg454fs (NM_001284290.2); c.1228dup, p.Arg410fs (NM_001293104.2); c.1141dup, p.Arg381fs (NM_001293105.2); short protein forms R381fs, R600fs, R410fs, R454fs.
Identifiers: ClinVar variation 2962907 (VCV002962907.3), dbSNP rs1554303791, ClinGen allele CA367637691.

ClinVar aggregate classification (germline): Pathogenic (1 of 4 stars; one submission).

Conditions:
Mucopolysaccharidosis type 7 (MPS7). Also called: BETA-GLUCURONIDASE DEFICIENCY; MPS VII; GUSB DEFICIENCY; SLY SYNDROME. Identifiers: Orphanet 584, MedGen C0085132, MONDO:0009662, OMIM 253220.

Allele frequency attached by ClinVar (database versions not stated): gnomAD exomes below 0.00001; TOPMed below 0.00001; ESP Exome Variant Server 0.00024.

Submission:

Labcorp Genetics (formerly Invitae), Labcorp
Classification: Pathogenic for Mucopolysaccharidosis type 7. Last evaluated: 2023-06-09. Review status: criteria provided, single submitter. Criteria: Invitae Variant Classification Sherloc (09022015). Collection method: clinical testing. Allele origin: germline.
Comment: This variant has not been reported in the literature in individuals affected with GUSB-related conditions. This variant is not present in population databases (gnomAD no frequency). This sequence change creates a premature translational stop signal (p.Arg600Lysfs*6) in the GUSB gene. While this is not anticipated to result in nonsense mediated decay, it is expected to disrupt the last 52 amino acid(s) of the GUSB protein. For these reasons, this variant has been classified as Pathogenic. This variant disrupts a region of the GUSB protein in which other variant(s) (p.Ala619Val) have been determined to be pathogenic (PMID: 1779626, 2115490, 30653816). This suggests that this is a clinically significant region of the protein, and that variants that disrupt it are likely to be disease-causing.

Literature cited by the submitters: PubMed 1779626; PubMed 2115490; PubMed 30653816.